The following is an entry in ClinVar:

ClinVar aggregate classification (germline): Uncertain significance. Review status: criteria provided, multiple submitters, no conflicts (2 of 4 stars). 3 submissions from 3 submitters: Uncertain significance (3). Last evaluated 2023-11-17.

Conditions:
Birt-Hogg-Dube syndrome. Also called: Birt Hogg Dubé syndrome. Identifiers: Orphanet 122, MedGen C0346010, MONDO:0800444.
Hereditary cancer-predisposing syndrome. Also called: Hereditary Cancer Syndrome; Neoplastic Syndromes, Hereditary; Tumor predisposition; Hereditary neoplastic syndrome. Identifiers: Orphanet 140162, MedGen C0027672, MeSH D009386, MONDO:0015356.

Submissions (3):

Ambry Genetics
Classification: Uncertain significance for Hereditary cancer-predisposing syndrome. Last evaluated: 2023-11-17. Review status: criteria provided, single submitter. Criteria: Ambry Variant Classification Scheme 2023. Collection method: clinical testing. Allele origin: germline.
Comment: The c.1296_1298delCTC variant (also known as p.S433del) is located in coding exon 8 of the FLCN gene. This variant results from an in-frame CTC deletion at nucleotide positions 1296 to 1298. This results in the in-frame deletion of a serine at codon 433. This amino acid position is highly conserved in available vertebrate species. In addition, the in silico prediction for this alteration is inconclusive (Choi Y et al. PLoS ONE. 2012; 7(10):e46688). Since supporting evidence is limited at this time, the clinical significance of this alteration remains unclear.

Baylor Genetics
Classification: Uncertain significance for Birt-Hogg-Dube syndrome 1. Last evaluated: 2023-08-31. Review status: criteria provided, single submitter. Criteria: ACMG Guidelines, 2015. Collection method: clinical testing. Allele origin: unknown.

Labcorp Genetics (formerly Invitae), Labcorp
Classification: Uncertain significance for Birt-Hogg-Dube syndrome. Last evaluated: 2022-10-12. Review status: criteria provided, single submitter. Criteria: Invitae Variant Classification Sherloc (09022015). Collection method: clinical testing. Allele origin: germline.
Comment: In summary, the available evidence is currently insufficient to determine the role of this variant in disease. Therefore, it has been classified as a Variant of Uncertain Significance. Experimental studies and prediction algorithms are not available or were not evaluated, and the functional significance of this variant is currently unknown. This variant, c.1296_1298del, results in the deletion of 1 amino acid(s) of the FLCN protein (p.Ser433del), but otherwise preserves the integrity of the reading frame. This variant is present in population databases (rs763354508, gnomAD 0.003%). This variant has not been reported in the literature in individuals affected with FLCN-related conditions.

NM_144997.7(FLCN):c.1293CTC[1] (p.Ser433del)

Gene: FLCN (folliculin; minus strand). Cytogenetic location: 17p11.2.
Variant type: Microsatellite.
Coding change: c.1293CTC[1] on transcript NM_144997.7 (MANE Select); one copy of the 3-base unit CTC starting at c.1293; the reference has two copies in a row; one copy, 3 bases deleted; also written c.1296_1298del.
Protein change: p.Ser433del; deletes serine 433.
Molecular consequence: inframe deletion.
Genome position (GRCh38, 1-based): chr17:17,216,382-17,216,384, GAG deleted on the plus strand (CTC on the coding strand, the reverse complement: FLCN is on the minus strand); deleting any 3 consecutive bases within chr17:17,216,382-17,216,387 gives the same sequence; the position shown is the placement nearest the transcript's 3' end. VCF-style (leftmost placement, unchanged base first): chr17-17216381-TGAG-T. GRCh37 (hg19) VCF-style: chr17-17119695-TGAG-T.
Other names: c.1347CTC[1], p.Ser451del (NM_001353229.2); c.1293CTC[1], p.Ser433del (NM_001353230.2, NM_001353231.2); c.1296_1298del (NM_144997.7); c.1296_1298delCTC (NM_144997.5); short protein forms S433del, S451del.
Identifiers: ClinVar variation 1350907 (VCV001350907.10), dbSNP rs763354508, ClinGen allele CA8416070.